The following is an entry in ClinVar:

ClinVar aggregate classification (germline): Uncertain significance (1 of 4 stars; one submission).

Submission:

Labcorp Genetics (formerly Invitae), Labcorp
Classification: Uncertain significance. Last evaluated: 2022-03-18. Review status: criteria provided, single submitter. Criteria: Invitae Variant Classification Sherloc (09022015). Collection method: clinical testing. Allele origin: germline.
Comment: This variant is not present in population databases (gnomAD no frequency). This sequence change replaces lysine, which is basic and polar, with glutamine, which is neutral and polar, at codon 170 of the UNC45A protein (p.Lys170Gln). This variant has not been reported in the literature in individuals affected with UNC45A-related conditions. In summary, the available evidence is currently insufficient to determine the role of this variant in disease. Therefore, it has been classified as a Variant of Uncertain Significance. Algorithms developed to predict the effect of missense changes on protein structure and function are either unavailable or do not agree on the potential impact of this missense change (SIFT: "Not Available"; PolyPhen-2: "Possibly Damaging"; Align-GVGD: "Not Available").

NM_018671.5(UNC45A):c.508A>C (p.Lys170Gln)

Gene: UNC45A (unc-45 myosin chaperone A; plus strand). Cytogenetic location: 15q26.1.
Variant type: single nucleotide variant.
Coding change: c.508A>C on transcript NM_018671.5 (MANE Select); coding-DNA position 508, A replaced by C.
Protein change: p.Lys170Gln; replaces lysine 170 with glutamine.
Molecular consequence: missense variant.
Genome position (GRCh38, 1-based): chr15:90,939,812, A>C. VCF-style: chr15-90939812-A-C. GRCh37 (hg19) VCF-style: chr15-91483042-A-C.
Other names: c.463A>C, p.Lys155Gln (NM_001039675.2, NM_001323621.2); c.508A>C, p.Lys170Gln (NM_001323619.1); c.73A>C, p.Lys25Gln (NM_001323620.2); short protein forms K155Q, K170Q, K25Q.
Identifiers: ClinVar variation 2103244 (VCV002103244.4), dbSNP rs2543128794, ClinGen allele CA393848749.